The following is an entry in ClinVar:

NM_198578.4(LRRK2):c.2020G>C (p.Val674Leu)

Gene: LRRK2 (leucine rich repeat kinase 2; plus strand). Cytogenetic location: 12q12.
Variant type: single nucleotide variant.
Coding change: c.2020G>C on transcript NM_198578.4 (MANE Select); coding-DNA position 2020, G replaced by C.
Protein change: p.Val674Leu; replaces valine 674 with leucine.
Molecular consequence: missense variant.
Genome position (GRCh38, 1-based): chr12:40,277,966, G>C. VCF-style: chr12-40277966-G-C. GRCh37 (hg19) VCF-style: chr12-40671768-G-C.
Other names: short protein forms V674L.
Identifiers: ClinVar variation 1784558 (VCV001784558.2), dbSNP rs2499637572, ClinGen allele CA384404583.

ClinVar aggregate classification (germline): Uncertain significance (1 of 4 stars; one submission).

Conditions:
Inborn genetic diseases. Identifiers: MedGen C0950123, MeSH D030342.

Submission:

Ambry Genetics
Classification: Uncertain significance for Inborn genetic diseases. Last evaluated: 2021-11-06. Review status: criteria provided, single submitter. Criteria: Ambry Variant Classification Scheme 2023. Collection method: clinical testing. Allele origin: germline.
Comment: The p.V674L variant (also known as c.2020G>C), located in coding exon 17 of the LRRK2 gene, results from a G to C substitution at nucleotide position 2020. The valine at codon 674 is replaced by leucine, an amino acid with highly similar properties. This amino acid position is conserved. In addition, this alteration is predicted to be tolerated by in silico analysis. Since supporting evidence is limited at this time, the clinical significance of this alteration remains unclear.